The following is an entry in ClinVar:

ClinVar aggregate classification (germline): Uncertain significance (1 of 4 stars; one submission).

Conditions:
Hereditary cancer-predisposing syndrome. Also called: Neoplastic Syndromes, Hereditary; Tumor predisposition; Hereditary Cancer Syndrome; Hereditary neoplastic syndrome. Identifiers: Orphanet 140162, MedGen C0027672, MeSH D009386, MONDO:0015356.

Submission:

Ambry Genetics
Classification: Uncertain significance for Hereditary cancer-predisposing syndrome. Last evaluated: 2019-09-18. Review status: criteria provided, single submitter. Criteria: Ambry Variant Classification Scheme 2023. Collection method: clinical testing. Allele origin: germline.
Comment: The p.F694L variant (also known as c.2080T>C), located in coding exon 13 of the BRIP1 gene, results from a T to C substitution at nucleotide position 2080. The phenylalanine at codon 694 is replaced by leucine, an amino acid with highly similar properties. This amino acid position is highly conserved in available vertebrate species. In addition, this alteration is predicted to be deleterious by in silico analysis. Since supporting evidence is limited at this time, the clinical significance of this alteration remains unclear.

NM_032043.3(BRIP1):c.2080T>C (p.Phe694Leu)

Gene: BRIP1 (BRCA1 interacting DNA helicase 1; minus strand). Cytogenetic location: 17q23.2.
Variant type: single nucleotide variant.
Coding change: c.2080T>C on transcript NM_032043.3 (MANE Select); coding-DNA position 2080, T replaced by C.
Protein change: p.Phe694Leu; replaces phenylalanine 694 with leucine.
Molecular consequence: missense variant.
Genome position (GRCh38, 1-based): chr17:61,776,418, A>G on the plus strand (T>C on the coding strand, the complement: BRIP1 is on the minus strand). VCF-style: chr17-61776418-A-G. GRCh37 (hg19) VCF-style: chr17-59853779-A-G.
Other names: short protein forms F694L.
Identifiers: ClinVar variation 1785561 (VCV001785561.2), dbSNP rs1465283737, ClinGen allele CA400478032.